The following is an entry in ClinVar:

NM_017514.5(PLXNA3):c.4684C>T (p.Leu1562=)

Gene: PLXNA3 (plexin A3; plus strand). Cytogenetic location: Xq28.
Variant type: single nucleotide variant.
Coding change: c.4684C>T on transcript NM_017514.5 (MANE Select); coding-DNA position 4684, C replaced by T.
Protein change: p.Leu1562=; no amino-acid change (leucine 1562 retained).
Molecular consequence: synonymous variant.
Genome position (GRCh38, 1-based): chrX:154,469,468, C>T. VCF-style: chrX-154469468-C-T. GRCh37 (hg19) VCF-style: chrX-153697811-C-T.
Identifiers: ClinVar variation 4990142 (VCV004990142.1).

ClinVar aggregate classification (germline): Likely benign (1 of 4 stars; one submission).

Conditions:
PLXNA3-related disorder. Also called: PLXNA3-related condition.

Submission:

PreventionGenetics, part of Exact Sciences
Classification: Likely benign for PLXNA3-related condition. Last evaluated: 2026-09-15. Review status: criteria provided, single submitter. Criteria: ACMG Guidelines, 2015. Collection method: clinical testing. Allele origin: germline.
Comment: This variant is classified as likely benign based on ACMG/AMP sequence variant interpretation guidelines (Richards et al. 2015 PMID: 25741868, with internal and published modifications).